The following is an entry in ClinVar:

ClinVar aggregate classification (germline): Uncertain significance (3 of 4 stars; one submission).

Conditions:
Open-angle glaucoma. Identifiers: MedGen C0017612, MONDO:0005338, HP:0012108.

Submission:

ClinGen Glaucoma Variant Curation Expert Panel
Classification: Uncertain significance for Open-angle glaucoma. Last evaluated: 2025-12-03. Review status: reviewed by expert panel. Criteria: ClinGen Glaucoma ACMG Specifications V2.0.0 Approved. Collection method: curation. Allele origin: germline. Inheritance: Autosomal dominant inheritance.
Comment: The c.1119G>A variant in MYOC is predicted to cause a change in the length of the protein due to the insertion of a terminating codon instead of the usual Tryptophan at amino acid 373 (p.Trp373Ter). This variant is predicted to cause a deletion of ≥ 10% of the protein within the conserved olfactomedin domain, meeting PM4. PVS1 did not apply, as the disease mechanism for MYOC variants associated with primary open angle glaucoma is not loss-of-function. The highest minor allele frequency of this variant was in the Remaining genetic ancestry group of gnomAD (v4.1.0) = 0.00001600 (1 allele out of 62,504), which met the ≤ 0.0001 threshold set for PM2_Supporting in a genetic ancestry group of at least 10,000 alleles. There was no computational or functional evidence predicting a damaging or benign impact of this variant on MYOC function. Only 1 segregation had been reported for primary open angle glaucoma (POAG) (PMID: 24768183), not meeting the ≥ 3 segregations required for PP1. Only 1 proband with POAG had been reported (PMID: 24768183), not meeting the ≥ 2 probands threshold required to meet PS4_Supporting. In summary, this variant met the criteria to receive a score of 3 and to be classified as a variant of uncertain significance (uncertain significance classification range -1 to 5, adapted from PMID: 32720330) for primary open angle glaucoma based on the ACMG/AMP criteria met, as specified by the ClinGen Glaucoma VCEP (v2.0.0, 5 Dec 2024): PM4, PM2_Supporting.

NM_000261.2(MYOC):c.1119G>A (p.Trp373Ter)

Gene: MYOC (myocilin; minus strand). Cytogenetic location: 1q24.3.
Variant type: single nucleotide variant.
Coding change: c.1119G>A on transcript NM_000261.2 (MANE Select); coding-DNA position 1119, G replaced by A.
Protein change: p.Trp373Ter; replaces tryptophan 373 with a stop codon.
Molecular consequence: nonsense.
Genome position (GRCh38, 1-based): chr1:171,636,321, C>T on the plus strand (G>A on the coding strand, the complement: MYOC is on the minus strand). VCF-style: chr1-171636321-C-T. GRCh37 (hg19) VCF-style: chr1-171605461-C-T.
Other names: NM_000261.2:c.1119G>A; short protein forms W373*.
Identifiers: ClinVar variation 1342201 (VCV001342201.6), dbSNP rs989306028, ClinGen allele CA32685688.